The following is an entry in ClinVar:

NM_004859.4(CLTC):c.2797-6_2797-4del

Gene: CLTC (clathrin heavy chain; plus strand). Cytogenetic location: 17q23.1.
Variant type: Microsatellite.
Coding change: c.2797-6_2797-4del on transcript NM_004859.4 (MANE Select); 6 bases into the intron before coding-DNA position 2797 through 4 bases into the intron before coding-DNA position 2797, 3 bases deleted (CTT; older notation c.2797-6_2797-4delCTT).
Molecular consequence: intron variant.
Genome position (GRCh38, 1-based): chr17:59,679,391-59,679,393, CTT deleted; deleting any 3 consecutive bases within chr17:59,679,387-59,679,393 gives the same sequence; the c. name uses the placement nearest the transcript's 3' end. VCF-style (leftmost placement, unchanged base first): chr17-59679386-ATCT-A. GRCh37 (hg19) VCF-style: chr17-57756747-ATCT-A.
Other names: c.2809-6_2809-4del (NM_001288653.2).
Identifiers: ClinVar variation 4681712 (VCV004681712.5).

ClinVar aggregate classification (germline): Uncertain significance (1 of 4 stars; one submission).

Submission:

CeGaT Center for Human Genetics Tuebingen
Classification: Uncertain significance. Last evaluated: 2025-12-01. Review status: criteria provided, single submitter. Criteria: CeGaT Center For Human Genetics Tuebingen Variant Classification Criteria Version 2. Collection method: clinical testing. Allele origin: germline. Affected: yes. Observed: 1 variant allele.
Comment: CLTC: PM2, BP4